The following is an entry in ClinVar:

ClinVar aggregate classification (germline): Uncertain significance (1 of 4 stars; one submission).

Submission:

Center for Genomic Medicine, Rigshospitalet, Copenhagen University Hospital
Classification: Uncertain significance. Last evaluated: 2025-03-04. Review status: criteria provided, single submitter. Criteria: ACMG Guidelines, 2015. Collection method: clinical testing. Allele origin: germline.
Comment: Classification criteria: PM2_supporting,

NM_001271696.3(ABCB7):c.660T>A (p.Asn220Lys)

Gene: ABCB7 (ATP binding cassette subfamily B member 7; minus strand). Cytogenetic location: Xq13.3.
Variant type: single nucleotide variant.
Coding change: c.660T>A on transcript NM_001271696.3 (MANE Select); coding-DNA position 660, T replaced by A.
Protein change: p.Asn220Lys; replaces asparagine 220 with lysine.
Molecular consequence: missense variant.
Genome position (GRCh38, 1-based): chrX:75,075,557, A>T on the plus strand (T>A on the coding strand, the complement: ABCB7 is on the minus strand). VCF-style: chrX-75075557-A-T. GRCh37 (hg19) VCF-style: chrX-74295392-A-T.
Other names: c.540T>A, p.Asn180Lys (NM_001271697.3); c.582T>A, p.Asn194Lys (NM_001271698.3); c.543T>A, p.Asn181Lys (NM_001271699.3); c.663T>A, p.Asn221Lys (NM_004299.6); short protein forms N180K, N181K, N194K, N220K, N221K.
Identifiers: ClinVar variation 3765146 (VCV003765146.1).
Genomic context (GRCh38, chrX:75,075,557, plus strand): 5'-AAAACCCAGATCCAGGTTGTGAAGATGGAGAAAGACATTTTTGGCTATTCTTCGGATTGA[A>T]TTCTGGGCTACCTTGCCAAATACTGCATTTCGAACTTCGTTAAAAAAAGCAGCTCCAGCT-3'
Protein context (NP_001258625.1, residues 210-230): RNAVFGKVAQ[Asn220Lys]SIRRIAKNVF